The following is an entry in ClinVar:

ClinVar aggregate classification (germline): Pathogenic (1 of 4 stars; one submission).

Submission:

Labcorp Genetics (formerly Invitae), Labcorp
Classification: Pathogenic. Last evaluated: 2024-12-17. Review status: criteria provided, single submitter. Criteria: Invitae Variant Classification Sherloc (09022015). Collection method: clinical testing. Allele origin: germline.
Comment: This sequence change creates a premature translational stop signal (p.Asp1451Glyfs*40) in the SPTB gene. It is expected to result in an absent or disrupted protein product. Loss-of-function variants in SPTB are known to be pathogenic (PMID: 1391962, 1498324, 8844207, 26830532, 27292444). This variant is not present in population databases (gnomAD no frequency). This variant has not been reported in the literature in individuals affected with SPTB-related conditions. For these reasons, this variant has been classified as Pathogenic.

Literature cited by the submitters: PubMed 1391962; PubMed 1498324; PubMed 8844207; PubMed 26830532; PubMed 27292444.

NM_001355436.2(SPTB):c.4351dup (p.Asp1451fs)

Gene: SPTB (spectrin beta, erythrocytic; minus strand). Cytogenetic location: 14q23.3.
Variant type: Duplication.
Coding change: c.4351dup on transcript NM_001355436.2 (MANE Select); coding-DNA position 4351, one base duplicated (G; older notation c.4351dupG).
Protein change: p.Asp1451fs; shifts the reading frame from aspartic acid 1451.
Molecular consequence: frameshift variant.
Genome position (GRCh38, 1-based): chr14:64,779,847, C duplicated on the plus strand (G on the coding strand, the reverse complement: SPTB is on the minus strand). VCF-style (leftmost placement, unchanged base first): chr14-64779846-T-TC. GRCh37 (hg19) VCF-style: chr14-65246564-T-TC.
Other names: c.4351dup, p.Asp1451fs (NM_001024858.4, NM_001355437.2); short protein forms D1451fs.
Identifiers: ClinVar variation 3727530 (VCV003727530.2).